The following is an entry in ClinVar:

ClinVar aggregate classification (germline): Uncertain significance. Review status: criteria provided, multiple submitters, no conflicts (2 of 4 stars). 6 submissions from 6 submitters: Uncertain significance (4). 2 of the submissions do not count toward it. Last evaluated 2024-11-08.

Conditions:
Emery-Dreifuss muscular dystrophy 4, autosomal dominant (EDMD4). Also called: EMERY-DREIFUSS MUSCULAR DYSTROPHY 4 WITH VARIABLE FEATURES. Identifiers: Orphanet 261, MedGen C2751807, MONDO:0013071, OMIM 612998.
Autosomal recessive ataxia, Beauce type. Also called: ATAXIA, RECESSIVE, OF BEAUCE; Spinocerebellar ataxia, autosomal recessive 8; SYNE1 Deficiency; SYNE1-Related Autosomal Recessive Cerebellar Ataxia. Identifiers: Orphanet 88644, MedGen C1853116, MONDO:0012549, OMIM 610743.

Allele frequency attached by ClinVar (database versions not stated): TOPMed below 0.00001; gnomAD 0.00001; gnomAD exomes 0.00001.
gnomAD v4.1: 16 of 1,613,920 alleles (0.00099%); highest among the groups gnomAD compares: Non-Finnish European, 0.0014%; no homozygotes.

Submissions (6):

GeneDx
Classification: Uncertain significance. Last evaluated: 2024-11-08. Review status: criteria provided, single submitter. Criteria: GeneDx Variant Classification Process June 2021. Collection method: clinical testing. Allele origin: germline. Affected: yes.
Comment: Not observed at significant frequency in large population cohorts (gnomAD); In silico analysis supports that this missense variant has a deleterious effect on protein structure/function; In silico analysis suggests this variant may impact gene splicing. In the absence of RNA/functional studies, the actual effect of this sequence change is unknown.; Has not been previously published as pathogenic or benign to our knowledge

Athena Diagnostics
Classification: Uncertain significance. Last evaluated: 2023-05-23. Review status: criteria provided, single submitter. Criteria: Athena Diagnostics Criteria. Collection method: clinical testing. Allele origin: unknown.
Comment: Available data are insufficient to determine the clinical significance of the variant at this time. The frequency of this variant in the general population is uninformative in assessment of its pathogenicity. Computational tools disagree on the variant's effect on normal protein function.

Revvity Omics, Revvity
Classification: Uncertain significance. Last evaluated: 2022-04-13. Review status: criteria provided, single submitter. Criteria: ACMG Guidelines, 2015. Collection method: clinical testing. Allele origin: germline.

Labcorp Genetics (formerly Invitae), Labcorp
Classification: Uncertain significance for Emery-Dreifuss muscular dystrophy 4, autosomal dominant; Autosomal recessive ataxia, Beauce type. Last evaluated: 2022-03-08. Review status: criteria provided, single submitter. Criteria: Invitae Variant Classification Sherloc (09022015). Collection method: clinical testing. Allele origin: germline.
Comment: ClinVar contains an entry for this variant (Variation ID: 1210093). Algorithms developed to predict the effect of missense changes on protein structure and function are either unavailable or do not agree on the potential impact of this missense change (SIFT: "Deleterious"; PolyPhen-2: "Probably Damaging"; Align-GVGD: "Class C0"). Algorithms developed to predict the effect of sequence changes on RNA splicing suggest that this variant may disrupt the consensus splice site. In summary, the available evidence is currently insufficient to determine the role of this variant in disease. Therefore, it has been classified as a Variant of Uncertain Significance. This variant has not been reported in the literature in individuals affected with SYNE1-related conditions. This sequence change replaces leucine, which is neutral and non-polar, with glutamine, which is neutral and polar, at codon 522 of the SYNE1 protein (p.Leu522Gln). This variant is present in population databases (rs544309811, gnomAD 0.002%).

Clinical Genetics DNA and cytogenetics Diagnostics Lab, Erasmus MC, Erasmus Medical Center
Classification: Uncertain significance. Review status: no assertion criteria provided. Collection method: clinical testing. Allele origin: germline. Affected: yes. Study: VKGL Data-share Consensus. Not counted in ClinVar's aggregate classification.

Genome Diagnostics Laboratory, Amsterdam University Medical Center
Classification: Uncertain significance. Review status: no assertion criteria provided. Collection method: clinical testing. Allele origin: germline. Affected: yes. Study: VKGL Data-share Consensus. Not counted in ClinVar's aggregate classification.

NM_182961.4(SYNE1):c.1544T>A (p.Leu515Gln)

Gene: SYNE1 (spectrin repeat containing nuclear envelope protein 1; minus strand). Cytogenetic location: 6q25.2.
Variant type: single nucleotide variant.
Coding change: c.1544T>A on transcript NM_182961.4 (MANE Select); coding-DNA position 1544, T replaced by A.
Protein change: p.Leu515Gln; replaces leucine 515 with glutamine.
Molecular consequence: missense variant.
Genome position (GRCh38, 1-based): chr6:152,471,685, A>T on the plus strand (T>A on the coding strand, the complement: SYNE1 is on the minus strand). VCF-style: chr6-152471685-A-T. GRCh37 (hg19) VCF-style: chr6-152792820-A-T.
Other names: c.1544T>A (NM_182961.2); c.1565T>A, p.Leu522Gln (NM_033071.5); c.1565T>A (NM_033071.3); short protein forms L515Q, L522Q.
Identifiers: ClinVar variation 1210093 (VCV001210093.14), dbSNP rs544309811, ClinGen allele CA150207721.